The following is an entry in ClinVar:

ClinVar aggregate classification (germline): Uncertain significance (1 of 4 stars; one submission).

Submission:

Labcorp Genetics (formerly Invitae), Labcorp
Classification: Uncertain significance. Last evaluated: 2018-11-08. Review status: criteria provided, single submitter. Criteria: Invitae Variant Classification Sherloc (09022015). Collection method: clinical testing. Allele origin: germline.
Comment: In summary, the available evidence is currently insufficient to determine the role of this variant in disease. Therefore, it has been classified as a Variant of Uncertain Significance. Algorithms developed to predict the effect of missense changes on protein structure and function are either unavailable or do not agree on the potential impact of this missense change (SIFT: "Deleterious"; PolyPhen-2: "Probably Damaging"; Align-GVGD: "Class C0"). This variant has not been reported in the literature in individuals with MSH3-related disease. This variant is not present in population databases (ExAC no frequency). This sequence change replaces cysteine with tyrosine at codon 833 of the MSH3 protein (p.Cys833Tyr). The cysteine residue is highly conserved and there is a large physicochemical difference between cysteine and tyrosine.

NM_002439.5(MSH3):c.2498G>A (p.Cys833Tyr)

Gene: MSH3 (mutS homolog 3; plus strand). Cytogenetic location: 5q14.1.
Variant type: single nucleotide variant.
Coding change: c.2498G>A on transcript NM_002439.5 (MANE Select); coding-DNA position 2498, G replaced by A.
Protein change: p.Cys833Tyr; replaces cysteine 833 with tyrosine.
Molecular consequence: missense variant.
Genome position (GRCh38, 1-based): chr5:80,787,627, G>A. VCF-style: chr5-80787627-G-A. GRCh37 (hg19) VCF-style: chr5-80083446-G-A.
Other names: short protein forms C833Y.
Identifiers: ClinVar variation 640679 (VCV000640679.8), dbSNP rs1580051149, ClinGen allele CA360283268.